The following is an entry in ClinVar:

ClinVar aggregate classification (germline): Likely pathogenic. Review status: criteria provided, multiple submitters, no conflicts (2 of 4 stars). 2 submissions from 2 submitters: Likely pathogenic (2). Last evaluated 2022-06-08.

Conditions:
Multiple congenital exostosis (EXT). Also called: MULTIPLE CARTILAGINOUS EXOSTOSES; Hereditary multiple exostoses; Hereditary multiple exostosis; Hereditary multiple osteochondromas; Multiple exostoses; Multiple osteochondromas. Identifiers: Orphanet 321, MedGen C0015306, MONDO:0005508, HP:0002762.
EXT1-related disorders.

Submissions (2):

Blueprint Genetics
Classification: Likely pathogenic for EXT1-related disorders. Last evaluated: 2022-06-08. Review status: criteria provided, single submitter. Criteria: ACMG Guidelines, 2015. Collection method: clinical testing. Allele origin: germline. Affected: yes. Observed: 1 variant allele.

Service de Biochimie Médicale et Biologie Moléculaire, CHU Clermont-Ferrand
Classification: Likely pathogenic for Exostoses, multiple, type 1. Last evaluated: 2022-01-14. Review status: criteria provided, single submitter. Criteria: ACMG Guidelines, 2015. Collection method: clinical testing. Allele origin: unknown. Affected: yes. Observed: 1 heterozygote.
Comment: PVS1 + PM2

NM_000127.3(EXT1):c.624del (p.Phe209fs)

Gene: EXT1 (exostosin glycosyltransferase 1; minus strand). Cytogenetic location: 8q24.11.
Variant type: Deletion.
Coding change: c.624del on transcript NM_000127.3 (MANE Select); coding-DNA position 624, one base deleted (G; older notation c.624delG).
Protein change: p.Phe209fs; shifts the reading frame from phenylalanine 209.
Molecular consequence: frameshift variant.
Genome position (GRCh38, 1-based): chr8:118,110,423, C deleted on the plus strand (G on the coding strand, the reverse complement: EXT1 is on the minus strand); the first of 4 consecutive C bases (chr8:118,110,423-118,110,426); deleting any one gives the same sequence. VCF-style (leftmost placement, unchanged base first): chr8-118110422-AC-A. GRCh37 (hg19) VCF-style: chr8-119122661-AC-A.
Other names: short protein forms F209fs.
Identifiers: ClinVar variation 1334150 (VCV001334150.3), dbSNP rs2130042609, ClinGen allele CA2573052965.